The following is an entry in ClinVar:

NM_002074.5(GNB1):c.1009A>C (p.Lys337Gln)

Gene: GNB1 (G protein subunit beta 1; minus strand). Cytogenetic location: 1p36.33.
Variant type: single nucleotide variant.
Coding change: c.1009A>C on transcript NM_002074.5 (MANE Select); coding-DNA position 1009, A replaced by C.
Protein change: p.Lys337Gln; replaces lysine 337 with glutamine.
Molecular consequence: missense variant.
Genome position (GRCh38, 1-based): chr1:1,787,345, T>G on the plus strand (A>C on the coding strand, the complement: GNB1 is on the minus strand). VCF-style: chr1-1787345-T-G. GRCh37 (hg19) VCF-style: chr1-1718784-T-G.
Other names: c.709A>C, p.Lys237Gln (NM_001282538.2); c.1009A>C, p.Lys337Gln (NM_001282539.2); short protein forms K237Q, K337Q.
Identifiers: ClinVar variation 2733819 (VCV002733819.3), dbSNP rs2522092007, ClinGen allele CA337902073.
Genomic context (GRCh38, chr1:1,787,345, plus strand): 5'-TTCTCCTCAGAGAAGGGCATTTGGGCTGCTGCATTACCTACTGGCGTTAGTTCCAGATCT[T>G]GAGGAAGCTATCCCAGGACCCTGTCGCCACAGCCATGCCATCGTCAGTCACGCCCAGGCA-3'
Protein context (NP_002065.1, residues 327-340): VATGSWDSFL[Lys337Gln]IWN

ClinVar aggregate classification (germline): Pathogenic (1 of 4 stars; one submission).

Submission:

Labcorp Genetics (formerly Invitae), Labcorp
Classification: Pathogenic. Last evaluated: 2025-02-19. Review status: criteria provided, single submitter. Criteria: Invitae Variant Classification Sherloc (09022015). Collection method: clinical testing. Allele origin: germline.
Comment: This sequence change replaces lysine, which is basic and polar, with glutamine, which is neutral and polar, at codon 337 of the GNB1 protein (p.Lys337Gln). This variant is not present in population databases (gnomAD no frequency). This missense change has been observed in individual(s) with clinical features of GNB1-related conditions (PMID: 28087732, 36521323). In at least one individual the variant was observed to be de novo. ClinVar contains an entry for this variant (Variation ID: 2733819). Invitae Evidence Modeling of protein sequence and biophysical properties (such as structural, functional, and spatial information, amino acid conservation, physicochemical variation, residue mobility, and thermodynamic stability) indicates that this missense variant is not expected to disrupt GNB1 protein function with a negative predictive value of 80%. Experimental studies have shown that this missense change does not substantially affect GNB1 function (PMID: 28087732). For these reasons, this variant has been classified as Pathogenic.

Literature cited by the submitters: PubMed 28087732; PubMed 36521323.